The following is an entry in ClinVar:

ClinVar aggregate classification (germline): Uncertain significance (1 of 4 stars; one submission).

Allele frequency attached by ClinVar (database versions not stated): gnomAD exomes 0.00001 and 0.00005; ExAC 0.00003; TOPMed 0.00003.
gnomAD v4.1: 12 of 1,589,794 alleles (0.00075%); highest among the groups gnomAD compares: East Asian, 0.02%; no homozygotes.

Submission:

Labcorp Genetics (formerly Invitae), Labcorp
Classification: Uncertain significance. Last evaluated: 2025-10-04. Review status: criteria provided, single submitter. Criteria: Invitae Variant Classification Sherloc (09022015). Collection method: clinical testing. Allele origin: germline.
Comment: This sequence change replaces leucine, which is neutral and non-polar, with serine, which is neutral and polar, at codon 326 of the IFT74 protein (p.Leu326Ser). This variant is present in population databases (rs753977169, gnomAD 0.08%). This variant has not been reported in the literature in individuals affected with IFT74-related conditions. ClinVar contains an entry for this variant (Variation ID: 1445065). An algorithm developed to predict the effect of missense changes on protein structure and function (PolyPhen-2) suggests that this variant is likely to be tolerated. In summary, the available evidence is currently insufficient to determine the role of this variant in disease. Therefore, it has been classified as a Variant of Uncertain Significance.

NM_025103.4(IFT74):c.977T>C (p.Leu326Ser)

Gene: IFT74 (intraflagellar transport 74; plus strand). Cytogenetic location: 9p21.2.
Variant type: single nucleotide variant.
Coding change: c.977T>C on transcript NM_025103.4 (MANE Select); coding-DNA position 977, T replaced by C.
Protein change: p.Leu326Ser; replaces leucine 326 with serine.
Molecular consequence: missense variant.
Genome position (GRCh38, 1-based): chr9:27,029,027, T>C. VCF-style: chr9-27029027-T-C. GRCh37 (hg19) VCF-style: chr9-27029025-T-C.
Other names: c.977T>C, p.Leu326Ser (NM_001099222.3, NM_001099223.3, NM_001099224.3 and 1 more transcripts); short protein forms L326S.
Identifiers: ClinVar variation 1445065 (VCV001445065.5), dbSNP rs753977169, ClinGen allele CA5015472.